The following is an entry in ClinVar:

ClinVar aggregate classification (germline): Uncertain significance (1 of 4 stars; one submission).

Conditions:
Inclusion body myopathy with Paget disease of bone and frontotemporal dementia. Also called: Inclusion body myopathy with early-onset Paget disease and frontotemporal dementia. Identifiers: Orphanet 52430, MedGen C1833662, MONDO:0000507.
Frontotemporal dementia and/or amyotrophic lateral sclerosis 6 (FTDALS6). Also called: VCP-Related Amyotrophic Lateral Sclerosis/Frontotemporal Dementia; VCP-Related Amyotrophic Lateral Sclerosis. Identifiers: Orphanet 275872, Orphanet 803, MedGen C5436279, MONDO:0013501, OMIM 613954.

gnomAD v4.1: 1 of 1,614,134 alleles (0.000062%); highest among the groups gnomAD compares: Non-Finnish European, 0.000085%; no homozygotes.

Submission:

Labcorp Genetics (formerly Invitae), Labcorp
Classification: Uncertain significance for Inclusion body myopathy with Paget disease of bone and frontotemporal dementia; Frontotemporal dementia and/or amyotrophic lateral sclerosis 6. Last evaluated: 2024-08-31. Review status: criteria provided, single submitter. Criteria: Invitae Variant Classification Sherloc (09022015). Collection method: clinical testing. Allele origin: germline.
Comment: This sequence change replaces arginine, which is basic and polar, with glutamine, which is neutral and polar, at codon 25 of the VCP protein (p.Arg25Gln). This variant is not present in population databases (gnomAD no frequency). This variant has not been reported in the literature in individuals affected with VCP-related conditions. Invitae Evidence Modeling of protein sequence and biophysical properties (such as structural, functional, and spatial information, amino acid conservation, physicochemical variation, residue mobility, and thermodynamic stability) indicates that this missense variant is not expected to disrupt VCP protein function with a negative predictive value of 95%. In summary, the available evidence is currently insufficient to determine the role of this variant in disease. Therefore, it has been classified as a Variant of Uncertain Significance.

NM_007126.5(VCP):c.74G>A (p.Arg25Gln)

Gene: VCP (valosin containing protein; minus strand). Cytogenetic location: 9p13.3.
Variant type: single nucleotide variant.
Coding change: c.74G>A on transcript NM_007126.5 (MANE Select); coding-DNA position 74, G replaced by A.
Protein change: p.Arg25Gln; replaces arginine 25 with glutamine.
Molecular consequence: missense variant. On other transcripts: 5 prime UTR variant (2).
Genome position (GRCh38, 1-based): chr9:35,068,306, C>T on the plus strand (G>A on the coding strand, the complement: VCP is on the minus strand). VCF-style: chr9-35068306-C-T. GRCh37 (hg19) VCF-style: chr9-35068303-C-T.
Other names: c.-62G>A (NM_001354927.2, NM_001354928.2); short protein forms R25Q.
Identifiers: ClinVar variation 3763411 (VCV003763411.2).